The following is an entry in ClinVar:

NM_000368.5(TSC1):c.3348C>A (p.Ser1116Arg)

Gene: TSC1 (TSC complex subunit 1; minus strand). Cytogenetic location: 9q34.13.
Variant type: single nucleotide variant.
Coding change: c.3348C>A on transcript NM_000368.5 (MANE Select); coding-DNA position 3348, C replaced by A.
Protein change: p.Ser1116Arg; replaces serine 1116 with arginine.
Molecular consequence: missense variant.
Genome position (GRCh38, 1-based): chr9:132,896,382, G>T on the plus strand (C>A on the coding strand, the complement: TSC1 is on the minus strand). VCF-style: chr9-132896382-G-T. GRCh37 (hg19) VCF-style: chr9-135771769-G-T.
Other names: c.3345C>A, p.Ser1115Arg (NM_001162426.2, NM_001406597.1, NM_001406598.1 and 2 more transcripts); c.3195C>A, p.Ser1065Arg (NM_001162427.2, NM_001406610.1); c.2985C>A, p.Ser995Arg (NM_001362177.2, NM_001406614.1, NM_001406615.1 and 4 more transcripts); c.3348C>A, p.Ser1116Arg (NM_001406592.1, NM_001406593.1, NM_001406594.1 and 2 more transcripts); c.3303C>A, p.Ser1101Arg (NM_001406608.1, NM_001406609.1); c.3192C>A, p.Ser1064Arg (NM_001406611.1, NM_001406612.1); c.3150C>A, p.Ser1050Arg (NM_001406613.1); c.2394C>A, p.Ser798Arg (NM_001406627.1, NM_001406628.1); and 8 more; short protein forms S1050R, S1064R, S1065R, S1101R, S1102R, S1110R, S1111R, S1115R.
Identifiers: ClinVar variation 1719001 (VCV001719001.5), dbSNP rs2131592879, ClinGen allele CA375366561.

ClinVar aggregate classification (germline): Uncertain significance (1 of 4 stars; one submission).

Conditions:
Tuberous sclerosis 1 (TSC1). Identifiers: Orphanet 805, MedGen C1854465, MONDO:0008612, OMIM 191100.

Submission:

Labcorp Genetics (formerly Invitae), Labcorp
Classification: Uncertain significance for Tuberous sclerosis 1. Last evaluated: 2022-09-07. Review status: criteria provided, single submitter. Criteria: Invitae Variant Classification Sherloc (09022015). Collection method: clinical testing. Allele origin: germline.
Comment: Algorithms developed to predict the effect of missense changes on protein structure and function (SIFT, PolyPhen-2, Align-GVGD) all suggest that this variant is likely to be tolerated. This variant has not been reported in the literature in individuals affected with TSC1-related conditions. This variant is not present in population databases (gnomAD no frequency). This sequence change replaces serine, which is neutral and polar, with arginine, which is basic and polar, at codon 1116 of the TSC1 protein (p.Ser1116Arg). In summary, the available evidence is currently insufficient to determine the role of this variant in disease. Therefore, it has been classified as a Variant of Uncertain Significance.